The following is an entry in ClinVar:

ClinVar aggregate classification (germline): Uncertain significance. Review status: criteria provided, multiple submitters, no conflicts (2 of 4 stars). 2 submissions from 2 submitters: Uncertain significance (2). Last evaluated 2018-03-15.

Conditions:
Myopathy, myosin storage, autosomal recessive (CMYO7B). Also called: CONGENITAL MYOPATHY 7B, MYOSIN STORAGE, AUTOSOMAL RECESSIVE. Identifiers: Orphanet 636970, MedGen C1850709, MONDO:0009708, OMIM 255160.
MYH7-related skeletal myopathy. Also called: Myopathy, distal, 1; Laing early-onset distal myopathy; Laing distal myopathy; MYOPATHY, DISTAL, EARLY-ONSET, AUTOSOMAL DOMINANT; MYOPATHY, LATE DISTAL HEREDITARY. Identifiers: Orphanet 59135, MedGen C4552004, MONDO:0008050, OMIM 160500.
Myosin storage myopathy (CMYO7A). Also called: MYOPATHY, HYALINE BODY, AUTOSOMAL DOMINANT; Scapuloperoneal myopathy, MYH7-related; MYH7-related late-onset scapuloperoneal muscular dystrophy; Congenital myopathy 7A, myosin storage, autosomal dominant; MYOPATHY WITH LYSIS OF TYPE I MYOFIBRILS; SCAPULOPERONEAL MUSCULAR DYSTROPHY. Identifiers: Orphanet 437572, Orphanet 636965, MedGen C1842160, MONDO:0008409, OMIM 608358.
Hypertrophic cardiomyopathy 1 (CMH1). Also called: MYH7-Related Familial Hypertrophic Cardiomyopathy; Familial hypertrophic cardiomyopathy 1. Identifiers: MedGen C3495498, MONDO:0008647, OMIM 192600.
Dilated cardiomyopathy 1S (CMD1S). Identifiers: Orphanet 154, Orphanet 54260, MedGen C1834481, MONDO:0013262, OMIM 613426.
Cardiomyopathy (CMYO). Also called: Cardiomyopathies. Identifiers: Orphanet 167848, MedGen C0878544, MONDO:0004994, HP:0001638. Inheritance: Various modes of inheritance.

Submissions (2):

CHEO Genetics Diagnostic Laboratory, Children's Hospital of Eastern Ontario
Classification: Uncertain significance for Cardiomyopathy. Last evaluated: 2018-03-15. Review status: criteria provided, single submitter. Criteria: ACMG Guidelines, 2015. Collection method: clinical testing. Allele origin: germline.

Juno Genomics, Hangzhou Juno Genomics, Inc
Classification: Uncertain significance for Dilated cardiomyopathy 1S; Hypertrophic cardiomyopathy 1; Myosin storage myopathy; Myopathy, myosin storage, autosomal recessive; MYH7-related skeletal myopathy. Review status: criteria provided, single submitter. Criteria: ACMG Guidelines, 2015. Collection method: clinical testing. Allele origin: germline. Affected: yes.
Comment: Absent from controls (or at extremely low frequency if recessive) in Genome Aggregation Database.;Multiple lines of computational evidence support a deleterious effect on the gene or gene product.

NM_000257.4(MYH7):c.136T>A (p.Phe46Ile)

Gene: MYH7 (myosin heavy chain 7; minus strand). Cytogenetic location: 14q11.2.
Variant type: single nucleotide variant.
Coding change: c.136T>A on transcript NM_000257.4 (MANE Select); coding-DNA position 136, T replaced by A.
Protein change: p.Phe46Ile; replaces phenylalanine 46 with isoleucine.
Molecular consequence: missense variant.
Genome position (GRCh38, 1-based): chr14:23,433,597, A>T on the plus strand (T>A on the coding strand, the complement: MYH7 is on the minus strand). VCF-style: chr14-23433597-A-T. GRCh37 (hg19) VCF-style: chr14-23902806-A-T.
Other names: short protein forms F46I.
Identifiers: ClinVar variation 915804 (VCV000915804.3), dbSNP rs1893036458, ClinGen allele CA389053785.